The following is an entry in ClinVar:

ClinVar aggregate classification (germline): Uncertain significance (1 of 4 stars; one submission).

Submission:

Labcorp Genetics (formerly Invitae), Labcorp
Classification: Uncertain significance. Last evaluated: 2022-11-01. Review status: criteria provided, single submitter. Criteria: Invitae Variant Classification Sherloc (09022015). Collection method: clinical testing. Allele origin: germline.
Comment: Advanced modeling of protein sequence and biophysical properties (such as structural, functional, and spatial information, amino acid conservation, physicochemical variation, residue mobility, and thermodynamic stability) performed at Invitae indicates that this missense variant is expected to disrupt ACO2 protein function. In summary, the available evidence is currently insufficient to determine the role of this variant in disease. Therefore, it has been classified as a Variant of Uncertain Significance. This variant has not been reported in the literature in individuals affected with ACO2-related conditions. This variant is not present in population databases (gnomAD no frequency). This sequence change replaces arginine, which is basic and polar, with proline, which is neutral and non-polar, at codon 92 of the ACO2 protein (p.Arg92Pro).

NM_001098.3(ACO2):c.275G>C (p.Arg92Pro)

Gene: ACO2 (aconitase 2; plus strand). Cytogenetic location: 22q13.2.
Variant type: single nucleotide variant.
Coding change: c.275G>C on transcript NM_001098.3 (MANE Select); coding-DNA position 275, G replaced by C.
Protein change: p.Arg92Pro; replaces arginine 92 with proline.
Molecular consequence: missense variant.
Genome position (GRCh38, 1-based): chr22:41,507,892, G>C. VCF-style: chr22-41507892-G-C. GRCh37 (hg19) VCF-style: chr22-41903896-G-C.
Other names: short protein forms R92P.
Identifiers: ClinVar variation 2123221 (VCV002123221.4), dbSNP rs147763800, ClinGen allele CA411713331.